The following is an entry in ClinVar:

ClinVar aggregate classification (germline): Uncertain significance (1 of 4 stars; one submission).

Submission:

Ambry Genetics
Classification: Uncertain significance. Last evaluated: 2024-08-13. Review status: criteria provided, single submitter. Criteria: Ambry Variant Classification Scheme 2023. Collection method: clinical testing. Allele origin: germline.
Comment: The p.H669P variant (also known as c.2006A>C), located in coding exon 18 of the BUB1 gene, results from an A to C substitution at nucleotide position 2006. The histidine at codon 669 is replaced by proline, an amino acid with similar properties. This amino acid position is conserved. In addition, this alteration is predicted to be tolerated by in silico analysis. Based on the available evidence, the clinical significance of this variant remains unclear.

NM_004336.5(BUB1):c.2006A>C (p.His669Pro)

Gene: BUB1 (BUB1 mitotic checkpoint serine/threonine kinase; minus strand). Cytogenetic location: 2q13.
Variant type: single nucleotide variant.
Coding change: c.2006A>C on transcript NM_004336.5 (MANE Select); coding-DNA position 2006, A replaced by C.
Protein change: p.His669Pro; replaces histidine 669 with proline.
Molecular consequence: missense variant.
Genome position (GRCh38, 1-based): chr2:110,650,743, T>G on the plus strand (A>C on the coding strand, the complement: BUB1 is on the minus strand). VCF-style: chr2-110650743-T-G. GRCh37 (hg19) VCF-style: chr2-111408320-T-G.
Other names: c.1946A>C, p.His649Pro (NM_001278616.2); c.2006A>C, p.His669Pro (NM_001278617.2); short protein forms H669P, H649P.
Identifiers: ClinVar variation 3483040 (VCV003483040.1).
Genomic context (GRCh38, chr2:110,650,743, plus strand): 5'-CAGGTAAGTACCCCACCTGCAGCAGGCTGGCTCAGACGAAGTAAGGATGCTGAATACATG[T>G]GAGACGACAAGGCCTGTTTTGGGCTTTTCTCTTGAATTGGACTGGACGTGTGAAAGGAAT-3'
Protein context (NP_004327.1, residues 659-679): EKSPKQALSS[His669Pro]MYSASLLRLS